The following is an entry in ClinVar:

ClinVar aggregate classification (germline): Uncertain significance. Review status: criteria provided, multiple submitters, no conflicts (2 of 4 stars). 2 submissions from 2 submitters: Uncertain significance (2). Last evaluated 2022-06-14.

gnomAD v4.1: 8 of 1,613,970 alleles (0.0005%); highest among the groups gnomAD compares: Non-Finnish European, 0.00068%; no homozygotes.

Submissions (2):

Labcorp Genetics (formerly Invitae), Labcorp
Classification: Uncertain significance. Last evaluated: 2022-06-14. Review status: criteria provided, single submitter. Criteria: Invitae Variant Classification Sherloc (09022015). Collection method: clinical testing. Allele origin: germline.
Comment: This sequence change replaces valine, which is neutral and non-polar, with leucine, which is neutral and non-polar, at codon 4226 of the HSPG2 protein (p.Val4226Leu). This variant is not present in population databases (gnomAD no frequency). This variant has not been reported in the literature in individuals affected with HSPG2-related conditions. Algorithms developed to predict the effect of missense changes on protein structure and function (SIFT, PolyPhen-2, Align-GVGD) all suggest that this variant is likely to be tolerated. In summary, the available evidence is currently insufficient to determine the role of this variant in disease. Therefore, it has been classified as a Variant of Uncertain Significance.

Revvity Omics, Revvity
Classification: Uncertain significance. Last evaluated: 2019-12-17. Review status: criteria provided, single submitter. Criteria: ACMG Guidelines, 2015. Collection method: clinical testing. Allele origin: germline.

NM_005529.7(HSPG2):c.12676G>T (p.Val4226Leu)

Genes: HSPG2 (heparan sulfate proteoglycan 2; minus strand), LDLRAD2 (low density lipoprotein receptor class A domain containing 2; plus strand). Cytogenetic location: 1p36.12.
Variant type: single nucleotide variant.
Coding change: c.12676G>T on transcript NM_005529.7 (MANE Select); coding-DNA position 12676, G replaced by T.
Protein change: p.Val4226Leu; replaces valine 4226 with leucine.
Molecular consequence: missense variant. On other transcripts: 3 prime UTR variant (1).
Genome position (GRCh38, 1-based): chr1:21,824,605, C>A on the plus strand (G>T on the coding strand, the complement: HSPG2 is on the minus strand). VCF-style: chr1-21824605-C-A. GRCh37 (hg19) VCF-style: chr1-22151098-C-A.
Other names: c.12679G>T, p.Val4227Leu (NM_001291860.2); c.*2390C>A (NM_001013693.3); short protein forms V4226L, V4227L.
Identifiers: ClinVar variation 2185821 (VCV002185821.4), dbSNP rs760832004, ClinGen allele CA338897543.
Genomic context (GRCh38, chr1:21,824,605, plus strand): 5'-GCCAGAGCAGGAGGCCACTGGCTGTGCTGGTCCGAACCTCCAGCTCGATGGTCTCGGGCA[C>A]CTCGGGCAGGCTGCGGAGGAAGAGCGGGTGAGGGGACAGAAGTCCCAGATTCCCATCCTC-3'
Protein context (NP_005520.4, residues 4216-4236): GHVFSRSLPE[Val4226Leu]PETIELEVRT